The following is an entry in ClinVar:

NM_001276270.2(MBD4):c.587C>T (p.Ser196Leu)

Gene: MBD4 (methyl-CpG binding domain 4, DNA glycosylase; minus strand). Cytogenetic location: 3q21.3.
Variant type: single nucleotide variant.
Coding change: c.587C>T on transcript NM_001276270.2 (MANE Select); coding-DNA position 587, C replaced by T.
Protein change: p.Ser196Leu; replaces serine 196 with leucine.
Molecular consequence: missense variant. On other transcripts: intron variant (1).
Genome position (GRCh38, 1-based): chr3:129,437,057, G>A on the plus strand (C>T on the coding strand, the complement: MBD4 is on the minus strand). VCF-style: chr3-129437057-G-A. GRCh37 (hg19) VCF-style: chr3-129155900-G-A.
Other names: c.587C>T, p.Ser196Leu (NM_001276271.2, NM_001276272.2, NM_003925.3); c.247+751C>T (NM_001276273.2); short protein forms S196L.
Identifiers: ClinVar variation 2353473 (VCV002353473.5), dbSNP rs764948774, ClinGen allele CA2605502.

ClinVar aggregate classification (germline): Conflicting classifications of pathogenicity. Review status: criteria provided, conflicting classifications (1 of 4 stars). 2 submissions from 2 submitters: Uncertain significance (1); Likely benign (1). Last evaluated 2024-10-09.

Conditions:
Inborn genetic diseases. Identifiers: MedGen C0950123, MeSH D030342.

Allele frequency attached by ClinVar (database versions not stated): ExAC 0.00002.
gnomAD v4.1: 5 of 1,614,142 alleles (0.00031%); highest among the groups gnomAD compares: East Asian, 0.011%; no homozygotes.

Submissions (2):

Labcorp Genetics (formerly Invitae), Labcorp
Classification: Uncertain significance. Last evaluated: 2024-10-09. Review status: criteria provided, single submitter. Criteria: Invitae Variant Classification Sherloc (09022015). Collection method: clinical testing. Allele origin: germline.
Comment: This sequence change replaces serine, which is neutral and polar, with leucine, which is neutral and non-polar, at codon 196 of the MBD4 protein (p.Ser196Leu). This variant is present in population databases (rs764948774, gnomAD 0.02%). This variant has not been reported in the literature in individuals affected with MBD4-related conditions. ClinVar contains an entry for this variant (Variation ID: 2353473). An algorithm developed to predict the effect of missense changes on protein structure and function outputs the following: PolyPhen-2: "Benign". The leucine amino acid residue is found in multiple mammalian species, which suggests that this missense change does not adversely affect protein function. In summary, the available evidence is currently insufficient to determine the role of this variant in disease. Therefore, it has been classified as a Variant of Uncertain Significance.

Ambry Genetics
Classification: Likely benign for Inborn genetic diseases. Last evaluated: 2022-08-17. Review status: criteria provided, single submitter. Criteria: Ambry Variant Classification Scheme 2023. Collection method: clinical testing. Allele origin: germline.